The following is an entry in ClinVar:

ClinVar aggregate classification (germline): Uncertain significance. Review status: criteria provided, multiple submitters, no conflicts (2 of 4 stars). 2 submissions from 2 submitters: Uncertain significance (2). Last evaluated 2022-09-06.

Conditions:
Retinitis pigmentosa (RP). Identifiers: Orphanet 791, MedGen C0035334, MeSH D012174, MONDO:0019200, OMIM 268000. Inheritance: Autosomal dominant, autosomal recessive and X linked inheritance.

Allele frequency attached by ClinVar (database versions not stated): gnomAD 0.00001; TOPMed 0.00001; ExAC 0.00003; gnomAD exomes 0.00004.
gnomAD v4.1: 18 of 1,610,324 alleles (0.0011%); highest among the groups gnomAD compares: East Asian, 0.033%; no homozygotes.

Submissions (2):

Labcorp Genetics (formerly Invitae), Labcorp
Classification: Uncertain significance. Last evaluated: 2022-09-06. Review status: criteria provided, single submitter. Criteria: Invitae Variant Classification Sherloc (09022015). Collection method: clinical testing. Allele origin: germline.
Comment: This variant is present in population databases (rs771188017, gnomAD 0.05%). This sequence change replaces proline, which is neutral and non-polar, with threonine, which is neutral and polar, at codon 903 of the PCARE protein (p.Pro903Thr). This variant has not been reported in the literature in individuals affected with PCARE-related conditions. In summary, the available evidence is currently insufficient to determine the role of this variant in disease. Therefore, it has been classified as a Variant of Uncertain Significance. Algorithms developed to predict the effect of missense changes on protein structure and function (SIFT, PolyPhen-2, Align-GVGD) all suggest that this variant is likely to be tolerated. ClinVar contains an entry for this variant (Variation ID: 335647).

Illumina Laboratory Services, Illumina
Classification: Uncertain significance for Retinitis pigmentosa. Last evaluated: 2018-01-13. Review status: criteria provided, single submitter. Criteria: ICSL Variant Classification Criteria 13 December 2019. Collection method: clinical testing. Allele origin: germline.

NM_001029883.3(PCARE):c.2707C>A (p.Pro903Thr)

Gene: PCARE (photoreceptor cilium actin regulator; minus strand). Cytogenetic location: 2p23.2.
Variant type: single nucleotide variant.
Coding change: c.2707C>A on transcript NM_001029883.3 (MANE Select); coding-DNA position 2707, C replaced by A.
Protein change: p.Pro903Thr; replaces proline 903 with threonine.
Molecular consequence: missense variant.
Genome position (GRCh38, 1-based): chr2:29,071,555, G>T on the plus strand (C>A on the coding strand, the complement: PCARE is on the minus strand). VCF-style: chr2-29071555-G-T. GRCh37 (hg19) VCF-style: chr2-29294421-G-T.
Other names: short protein forms P903T.
Identifiers: ClinVar variation 335647 (VCV000335647.12), dbSNP rs771188017, ClinGen allele CA1592140.